The following is an entry in ClinVar:

ClinVar aggregate classification (germline): Uncertain significance (1 of 4 stars; one submission).

Conditions:
Cardiovascular phenotype. Identifiers: MedGen CN230736.

gnomAD v4.1: 16 of 1,614,078 alleles (0.00099%); highest among the groups gnomAD compares: Non-Finnish European, 0.0014%; no homozygotes.

Submission:

Ambry Genetics
Classification: Uncertain significance for Cardiovascular phenotype. Last evaluated: 2025-09-17. Review status: criteria provided, single submitter. Criteria: Ambry Variant Classification Scheme 2023. Collection method: clinical testing. Allele origin: germline.
Comment: The p.A290G variant (also known as c.869C>G), located in coding exon 5 of the EPHB4 gene, results from a C to G substitution at nucleotide position 869. The alanine at codon 290 is replaced by glycine, an amino acid with similar properties. This amino acid position is conserved. In addition, this alteration is predicted to be tolerated by in silico analysis. Based on the available evidence, the clinical significance of this variant remains unclear.

NM_004444.5(EPHB4):c.869C>G (p.Ala290Gly)

Gene: EPHB4 (EPH receptor B4; minus strand). Cytogenetic location: 7q22.1.
Variant type: single nucleotide variant.
Coding change: c.869C>G on transcript NM_004444.5 (MANE Select); coding-DNA position 869, C replaced by G.
Protein change: p.Ala290Gly; replaces alanine 290 with glycine.
Molecular consequence: missense variant.
Genome position (GRCh38, 1-based): chr7:100,820,236, G>C on the plus strand (C>G on the coding strand, the complement: EPHB4 is on the minus strand). VCF-style: chr7-100820236-G-C. GRCh37 (hg19) VCF-style: chr7-100417858-G-C.
Other names: short protein forms A290G.
Identifiers: ClinVar variation 4614123 (VCV004614123.1).